The following is an entry in ClinVar:

NM_000281.4(PCBD1):c.307A>G (p.Met103Val)

Gene: PCBD1 (pterin-4 alpha-carbinolamine dehydratase 1; minus strand). Cytogenetic location: 10q22.1.
Variant type: single nucleotide variant.
Coding change: c.307A>G on transcript NM_000281.4 (MANE Select); coding-DNA position 307, A replaced by G.
Protein change: p.Met103Val; replaces methionine 103 with valine.
Molecular consequence: missense variant. On other transcripts: intron variant (1).
Genome position (GRCh38, 1-based): chr10:70,883,958, T>C on the plus strand (A>G on the coding strand, the complement: PCBD1 is on the minus strand). VCF-style: chr10-70883958-T-C. GRCh37 (hg19) VCF-style: chr10-72643715-T-C.
Other names: c.160A>G, p.Met54Val (NM_001289797.2); c.216+1194A>G (NM_001323004.2); short protein forms M54V, M103V.
Identifiers: ClinVar variation 3653190 (VCV003653190.2).

ClinVar aggregate classification (germline): Uncertain significance (1 of 4 stars; one submission).

Conditions:
Pterin-4 alpha-carbinolamine dehydratase 1 deficiency. Also called: Hyperphenylalaninemia due to dehydratase deficiency; CADH DEFICIENCY; HYPERPHENYLALANINEMIA WITH PRIMAPTERINURIA; HYPERPHENYLALANINEMIA, TETRAHYDROBIOPTERIN-DEFICIENT, DUE TO PTERIN-4-ALPHA-CARBINOLAMINE DEHYDRATASE DEFICIENCY. Identifiers: Orphanet 1578, Orphanet 238583, MedGen C1849700, MONDO:0009908, OMIM 264070.

Submission:

Labcorp Genetics (formerly Invitae), Labcorp
Classification: Uncertain significance for Pterin-4 alpha-carbinolamine dehydratase 1 deficiency. Last evaluated: 2024-05-29. Review status: criteria provided, single submitter. Criteria: Invitae Variant Classification Sherloc (09022015). Collection method: clinical testing. Allele origin: germline.
Comment: This sequence change replaces methionine, which is neutral and non-polar, with valine, which is neutral and non-polar, at codon 103 of the PCBD1 protein (p.Met103Val). This variant is not present in population databases (gnomAD no frequency). This variant has not been reported in the literature in individuals affected with PCBD1-related conditions. An algorithm developed to predict the effect of missense changes on protein structure and function (PolyPhen-2) suggests that this variant is likely to be tolerated. Algorithms developed to predict the effect of sequence changes on RNA splicing suggest that this variant may create or strengthen a splice site. In summary, the available evidence is currently insufficient to determine the role of this variant in disease. Therefore, it has been classified as a Variant of Uncertain Significance.